The following is an entry in ClinVar:

ClinVar aggregate classification (germline): Conflicting classifications of pathogenicity. Review status: criteria provided, conflicting classifications (1 of 4 stars). 3 submissions from 3 submitters: Uncertain significance (2); Likely benign (1). Last evaluated 2025-12-08.

Conditions:
Multiple endocrine neoplasia, type 1 (MEN1). Also called: MEN I; WERMER SYNDROME; Endocrine adenomatosis multiple; MEN 1; MEA I. Identifiers: Orphanet 652, MedGen C0025267, MeSH D018761, MONDO:0007540, OMIM 131100.
Hereditary cancer-predisposing syndrome. Also called: Neoplastic Syndromes, Hereditary; Hereditary Cancer Syndrome; Tumor predisposition; Hereditary neoplastic syndrome. Identifiers: Orphanet 140162, MedGen C0027672, MeSH D009386, MONDO:0015356.

Allele frequency attached by ClinVar (database versions not stated): gnomAD exomes below 0.00001; ExAC 0.00001.

Submissions (3):

Labcorp Genetics (formerly Invitae), Labcorp
Classification: Likely benign for Multiple endocrine neoplasia, type 1. Last evaluated: 2025-12-08. Review status: criteria provided, single submitter. Criteria: Invitae Variant Classification Sherloc (09022015). Collection method: clinical testing. Allele origin: germline.

Ambry Genetics
Classification: Uncertain significance for Hereditary cancer-predisposing syndrome. Last evaluated: 2025-04-03. Review status: criteria provided, single submitter. Criteria: Ambry Variant Classification Scheme 2023. Collection method: clinical testing. Allele origin: germline.
Comment: The p.P515S variant (also known as c.1543C>T), located in coding exon 9 of the MEN1 gene, results from a C to T substitution at nucleotide position 1543. The proline at codon 515 is replaced by serine, an amino acid with similar properties. This amino acid position is not well conserved in available vertebrate species. In addition, this alteration is predicted to be tolerated by in silico analysis. Based on the available evidence, the clinical significance of this variant remains unclear.

Mendelics
Classification: Uncertain significance for Multiple endocrine neoplasia, type 1. Last evaluated: 2018-07-02. Review status: criteria provided, single submitter. Criteria: Mendelics Assertion Criteria 2017. Collection method: clinical testing. Allele origin: unknown.

NM_001370259.2(MEN1):c.1543C>T (p.Pro515Ser)

Gene: MEN1 (menin 1; minus strand). Cytogenetic location: 11q13.1.
Variant type: single nucleotide variant.
Coding change: c.1543C>T on transcript NM_001370259.2 (MANE Select); coding-DNA position 1543, C replaced by T.
Protein change: p.Pro515Ser; replaces proline 515 with serine.
Molecular consequence: missense variant.
Genome position (GRCh38, 1-based): chr11:64,804,624, G>A on the plus strand (C>T on the coding strand, the complement: MEN1 is on the minus strand). VCF-style: chr11-64804624-G-A. GRCh37 (hg19) VCF-style: chr11-64572096-G-A.
Other names: c.1558C>T, p.Pro520Ser (NM_000244.4, NM_130800.3, NM_130801.3 and 3 more transcripts); c.1669C>T, p.Pro557Ser (NM_001370251.2); c.1543C>T, p.Pro515Ser (NM_001370260.2, NM_001370261.2, NM_130799.3); c.1438C>T, p.Pro480Ser (NM_001370262.2, NM_001370263.2); c.1543C>T (NM_130799.2); short protein forms P515S, P520S, P480S, P557S.
Identifiers: ClinVar variation 584768 (VCV000584768.11), dbSNP rs779466487, ClinGen allele CA060765.